The following is an entry in ClinVar:

ClinVar aggregate classification (germline): Likely benign (1 of 4 stars; one submission).

gnomAD v4.1: 9 of 1,609,212 alleles (0.00056%); highest among the groups gnomAD compares: Admixed American, 0.0067%; no homozygotes.

Submission:

CeGaT Center for Human Genetics Tuebingen
Classification: Likely benign. Last evaluated: 2026-01-01. Review status: criteria provided, single submitter. Criteria: CeGaT Center For Human Genetics Tuebingen Variant Classification Criteria Version 2. Collection method: clinical testing. Allele origin: germline. Affected: yes. Observed: 1 variant allele.
Comment: POLR3B: BP4, BP7

NM_018082.6(POLR3B):c.2730C>T (p.Ile910=)

Gene: POLR3B (RNA polymerase III subunit B; plus strand). Cytogenetic location: 12q23.3.
Variant type: single nucleotide variant.
Coding change: c.2730C>T on transcript NM_018082.6 (MANE Select); coding-DNA position 2730, C replaced by T.
Protein change: p.Ile910=; no amino-acid change (isoleucine 910 retained).
Molecular consequence: synonymous variant.
Genome position (GRCh38, 1-based): chr12:106,496,071, C>T. VCF-style: chr12-106496071-C-T. GRCh37 (hg19) VCF-style: chr12-106889849-C-T.
Other names: c.2556C>T, p.Ile852= (NM_001160708.2).
Identifiers: ClinVar variation 4821878 (VCV004821878.4).